The following is an entry in ClinVar:

NM_001080414.4(CCDC88C):c.3097G>A (p.Ala1033Thr)

Gene: CCDC88C (coiled-coil domain containing 88C; minus strand). Cytogenetic location: 14q32.11.
Variant type: single nucleotide variant.
Coding change: c.3097G>A on transcript NM_001080414.4 (MANE Select); coding-DNA position 3097, G replaced by A.
Protein change: p.Ala1033Thr; replaces alanine 1033 with threonine.
Molecular consequence: missense variant.
Genome position (GRCh38, 1-based): chr14:91,307,136, C>T on the plus strand (G>A on the coding strand, the complement: CCDC88C is on the minus strand). VCF-style: chr14-91307136-C-T. GRCh37 (hg19) VCF-style: chr14-91773480-C-T.
Other names: c.3097G>A (NM_001080414.3); short protein forms A1033T.
Identifiers: ClinVar variation 2137896 (VCV002137896.3), dbSNP rs769572282, ClinGen allele CA7309460.

ClinVar aggregate classification (germline): Conflicting classifications of pathogenicity. Review status: criteria provided, conflicting classifications (1 of 4 stars). 2 submissions from 2 submitters: Uncertain significance (1); Likely benign (1). Last evaluated 2023-05-17.

Conditions:
Inborn genetic diseases. Identifiers: MedGen C0950123, MeSH D030342.

Allele frequency attached by ClinVar (database versions not stated): gnomAD 0.00002; gnomAD exomes 0.00002; ExAC 0.00005; TOPMed 0.00005.
gnomAD v4.1: 32 of 1,613,848 alleles (0.002%); highest among the groups gnomAD compares: Admixed American, 0.0067%; no homozygotes.

Submissions (2):

Ambry Genetics
Classification: Likely benign for Inborn genetic diseases. Last evaluated: 2023-05-17. Review status: criteria provided, single submitter. Criteria: Ambry Variant Classification Scheme 2023. Collection method: clinical testing. Allele origin: germline.

Labcorp Genetics (formerly Invitae), Labcorp
Classification: Uncertain significance. Last evaluated: 2022-08-07. Review status: criteria provided, single submitter. Criteria: Invitae Variant Classification Sherloc (09022015). Collection method: clinical testing. Allele origin: germline.
Comment: This sequence change replaces alanine, which is neutral and non-polar, with threonine, which is neutral and polar, at codon 1033 of the CCDC88C protein (p.Ala1033Thr). This variant is present in population databases (rs769572282, gnomAD 0.009%). This variant has not been reported in the literature in individuals affected with CCDC88C-related conditions. Algorithms developed to predict the effect of missense changes on protein structure and function output the following: SIFT: "Tolerated"; PolyPhen-2: "Benign"; Align-GVGD: "Class C0". The threonine amino acid residue is found in multiple mammalian species, which suggests that this missense change does not adversely affect protein function. In summary, the available evidence is currently insufficient to determine the role of this variant in disease. Therefore, it has been classified as a Variant of Uncertain Significance.